The following is an entry in ClinVar:

ClinVar aggregate classification (germline): Conflicting classifications of pathogenicity. Review status: criteria provided, conflicting classifications (1 of 4 stars). 5 submissions from 5 submitters: Uncertain significance (4); Likely benign (1). Last evaluated 2026-09-02.

Conditions:
Inborn genetic diseases. Identifiers: MedGen C0950123, MeSH D030342.
Hypotonia, infantile, with psychomotor retardation and characteristic facies 2 (IHPRF2). Also called: UNC80 Deficiency. Identifiers: Orphanet 371364, Orphanet 700333, MedGen C4225203, MONDO:0014777, OMIM 616801.

Allele frequency attached by ClinVar (database versions not stated): ESP Exome Variant Server 0.00015; 1000 Genomes Project 0.00020; 1000 Genomes Project 30x 0.00031; gnomAD 0.00043 and 0.00044; TOPMed 0.00048; gnomAD exomes 0.00049 and 0.00063; ExAC 0.00051.
gnomAD v4.1: 983 of 1,614,154 alleles (0.061%); highest among the groups gnomAD compares: South Asian, 0.074%; no homozygotes.

Submissions (5):

GeneDx
Classification: Uncertain significance. Last evaluated: 2026-09-02. Review status: criteria provided, single submitter. Criteria: GeneDx Variant Classification Process June 2021. Collection method: clinical testing. Allele origin: germline.
Comment: In silico analysis suggests that this missense variant does not alter protein structure/function; Has not been previously published as pathogenic or benign to our knowledge

3billion
Classification: Likely benign for Hypotonia, infantile, with psychomotor retardation and characteristic facies 2. Last evaluated: 2024-09-20. Review status: criteria provided, single submitter. Criteria: ACMG Guidelines, 2015. Collection method: clinical testing. Allele origin: germline. Affected: no.
Comment: The homozygous variant was found in patients diagnosed with another variant in a different gene, with no symptoms related to the gene containing the homozygous variant.

CeGaT Center for Human Genetics Tuebingen
Classification: Uncertain significance. Last evaluated: 2024-08-01. Review status: criteria provided, single submitter. Criteria: CeGaT Center For Human Genetics Tuebingen Variant Classification Criteria Version 2. Collection method: clinical testing. Allele origin: germline. Affected: yes. Observed: 1 variant allele.
Comment: UNC80: PM2:Supporting, BP4

Labcorp Genetics (formerly Invitae), Labcorp
Classification: Uncertain significance. Last evaluated: 2022-10-25. Review status: criteria provided, single submitter. Criteria: Invitae Variant Classification Sherloc (09022015). Collection method: clinical testing. Allele origin: germline.
Comment: This sequence change replaces isoleucine, which is neutral and non-polar, with methionine, which is neutral and non-polar, at codon 280 of the UNC80 protein (p.Ile280Met). This variant is present in population databases (rs142126808, gnomAD 0.07%), and has an allele count higher than expected for a pathogenic variant. This variant has not been reported in the literature in individuals affected with UNC80-related conditions. ClinVar contains an entry for this variant (Variation ID: 1463958). Algorithms developed to predict the effect of missense changes on protein structure and function output the following: SIFT: "Not Available"; PolyPhen-2: "Benign"; Align-GVGD: "Not Available". The methionine amino acid residue is found in multiple mammalian species, which suggests that this missense change does not adversely affect protein function. In summary, the available evidence is currently insufficient to determine the role of this variant in disease. Therefore, it has been classified as a Variant of Uncertain Significance.

Ambry Genetics
Classification: Uncertain significance for Inborn genetic diseases. Last evaluated: 2022-06-21. Review status: criteria provided, single submitter. Criteria: Ambry Variant Classification Scheme 2023. Collection method: clinical testing. Allele origin: germline.

NM_001371986.1(UNC80):c.840C>G (p.Ile280Met)

Gene: UNC80 (unc-80 subunit of NALCN channel complex; plus strand). Cytogenetic location: 2q34.
Variant type: single nucleotide variant.
Coding change: c.840C>G on transcript NM_001371986.1 (MANE Select); coding-DNA position 840, C replaced by G.
Protein change: p.Ile280Met; replaces isoleucine 280 with methionine.
Molecular consequence: missense variant.
Genome position (GRCh38, 1-based): chr2:209,793,761, C>G. VCF-style: chr2-209793761-C-G. GRCh37 (hg19) VCF-style: chr2-210658485-C-G.
Other names: c.840C>G, p.Ile280Met (NM_032504.2, NM_182587.4); c.840C>G (NM_032504.1); short protein forms I280M.
Identifiers: ClinVar variation 1463958 (VCV001463958.22), dbSNP rs142126808, ClinGen allele CA2082861.